The following is an entry in ClinVar:

NM_001042492.3(NF1):c.1062G>C (p.Lys354Asn)

Gene: NF1 (neurofibromin 1; plus strand). Cytogenetic location: 17q11.2.
Variant type: single nucleotide variant.
Coding change: c.1062G>C on transcript NM_001042492.3 (MANE Select); coding-DNA position 1062, G replaced by C.
Protein change: p.Lys354Asn; replaces lysine 354 with asparagine.
Molecular consequence: missense variant.
Genome position (GRCh38, 1-based): chr17:31,200,595, G>C. VCF-style: chr17-31200595-G-C. GRCh37 (hg19) VCF-style: chr17-29527613-G-C.
Other names: c.1062G>C, p.Lys354Asn (NM_000267.4, NM_001128147.3); short protein forms K354N.
Identifiers: ClinVar variation 586168 (VCV000586168.10), dbSNP rs1131691118, ClinGen allele CA398996568.

ClinVar aggregate classification (germline): Pathogenic/Likely pathogenic. Review status: criteria provided, multiple submitters, no conflicts (2 of 4 stars). 3 submissions from 3 submitters: Pathogenic (1); Likely pathogenic (2). Last evaluated 2025-12-03.

Conditions:
Neurofibromatosis, type 1 (NF1). Also called: Peripheral type neurofibromatosis; VON RECKLINGHAUSEN DISEASE; NEUROFIBROMATOSIS, TYPE I, SOMATIC; Neurofibromatosis, type I. Identifiers: Orphanet 636, MedGen C0027831, MONDO:0018975, OMIM 162200. Disease mechanism: loss of function.

Submissions (3):

GeneDx
Classification: Likely pathogenic. Last evaluated: 2025-12-03. Review status: criteria provided, single submitter. Criteria: GeneDx Variant Classification Process June 2021. Collection method: clinical testing. Allele origin: germline. Affected: yes.
Comment: Alters the last nucleotide of the exon and is predicted to destroy the splice donor site but the effect on protein function is unclear; Not observed at significant frequency in large population cohorts (gnomAD); Reported in individuals with a clinical diagnosis or suspicion of neurofibromatosis type 1 referred for genetic testing at GeneDx and in published literature (PMID: 30290804); This variant is associated with the following publications: (PMID: 23656349, 18546366, 29673180, Douben2023[Functional study], 30290804, 40225167, 39270790)

Labcorp Genetics (formerly Invitae), Labcorp
Classification: Likely pathogenic for Neurofibromatosis, type 1. Last evaluated: 2024-08-31. Review status: criteria provided, single submitter. Criteria: Invitae Variant Classification Sherloc (09022015). Collection method: clinical testing. Allele origin: germline.
Comment: This sequence change replaces lysine, which is basic and polar, with asparagine, which is neutral and polar, at codon 354 of the NF1 protein (p.Lys354Asn). This variant also falls at the last nucleotide of exon 9, which is part of the consensus splice site for this exon. This variant is not present in population databases (gnomAD no frequency). This missense change has been observed in individual(s) with clinical features of neurofibromatosis type 1 (PMID: 30290804; internal data). ClinVar contains an entry for this variant (Variation ID: 586168). An algorithm developed to predict the effect of missense changes on protein structure and function (PolyPhen-2) suggests that this variant is likely to be disruptive. Variants that disrupt the consensus splice site are a relatively common cause of aberrant splicing (PMID: 17576681, 9536098). Algorithms developed to predict the effect of sequence changes on RNA splicing suggest that this variant may disrupt the consensus splice site. This variant disrupts the c.1062G nucleotide in the NF1 gene. Other variant(s) that disrupt this nucleotide have been determined to be pathogenic (PMID: 10712197, 18546366, 29673180, 31766501). This suggests that this nucleotide is clinically significant, and that variants that disrupt this position are likely to be disease-causing. In summary, the currently available evidence indicates that the variant is pathogenic, but additional data are needed to prove that conclusively. Therefore, this variant has been classified as Likely Pathogenic.

Athena Diagnostics
Classification: Pathogenic. Last evaluated: 2018-09-07. Review status: criteria provided, single submitter. Criteria: Athena Diagnostics Criteria. Collection method: clinical testing. Allele origin: germline.
Comment: Not found in the total gnomAD dataset, and the data is high quality (0/276632 chr). Found in at least one symptomatic patient. Predicted to have a damaging effect on the protein. Predicted to negatively affect a known splice site.

Literature cited by the submitters: PubMed 30290804 (cited by Labcorp Genetics (formerly Invitae), Labcorp); PubMed 17576681 (cited by Labcorp Genetics (formerly Invitae), Labcorp); PubMed 9536098 (cited by Labcorp Genetics (formerly Invitae), Labcorp); PubMed 10712197 (cited by Labcorp Genetics (formerly Invitae), Labcorp); PubMed 18546366 (cited by Labcorp Genetics (formerly Invitae), Labcorp); PubMed 29673180 (cited by Labcorp Genetics (formerly Invitae), Labcorp); PubMed 31766501 (cited by Labcorp Genetics (formerly Invitae), Labcorp); PubMed 23656349 (cited by Athena Diagnostics).